The following is an entry in ClinVar:

NM_138383.3(MTSS2):c.1181G>A (p.Arg394Gln)

Gene: MTSS2 (MTSS I-BAR domain containing 2; minus strand). Cytogenetic location: 16q22.1.
Variant type: single nucleotide variant.
Coding change: c.1181G>A on transcript NM_138383.3 (MANE Select); coding-DNA position 1181, G replaced by A.
Protein change: p.Arg394Gln; replaces arginine 394 with glutamine.
Molecular consequence: missense variant.
Genome position (GRCh38, 1-based): chr16:70,665,044, C>T on the plus strand (G>A on the coding strand, the complement: MTSS2 is on the minus strand). VCF-style: chr16-70665044-C-T. GRCh37 (hg19) VCF-style: chr16-70698947-C-T.
Other names: short protein forms R394Q.
Identifiers: ClinVar variation 4873716 (VCV004873716.2).
Genomic context (GRCh38, chr16:70,665,044, plus strand): 5'-GTGCCCCCACTGGCAGGGCCTGGCTCTGTGTCTCGCAGGAGCTCCACTCGGTCCTTCCTC[C>T]GCTGCAGAGTGGCGCCTGAGGGCTGCTCATGGGAGCCGACCTTGGACCAGTCCTGCAGGG-3'
Protein context (NP_612392.1, residues 384-404): HEQPSGATLQ[Arg394Gln]RKDRVELLRD

ClinVar aggregate classification (germline): Likely benign (1 of 4 stars; one submission).

Submission:

CeGaT Center for Human Genetics Tuebingen
Classification: Likely benign. Last evaluated: 2026-04-01. Review status: criteria provided, single submitter. Criteria: CeGaT Center For Human Genetics Tuebingen Variant Classification Criteria Version 2. Collection method: clinical testing. Allele origin: germline. Affected: yes. Observed: 1 variant allele.
Comment: MTSS2: BS2